The following is an entry in ClinVar:

NM_001370466.1(NOD2):c.2634-75G>A

Gene: NOD2 (nucleotide binding oligomerization domain containing 2; plus strand). Cytogenetic location: 16q12.1.
Variant type: single nucleotide variant.
Coding change: c.2634-75G>A on transcript NM_001370466.1 (MANE Select); 75 bases into the intron before coding-DNA position 2634, G replaced by A.
Molecular consequence: intron variant.
Genome position (GRCh38, 1-based): chr16:50,722,547, G>A. VCF-style: chr16-50722547-G-A. GRCh37 (hg19) VCF-style: chr16-50756458-G-A.
Other names: c.2715-75G>A (LRG_177t1, NM_022162.3); c.2634-75G>A (NM_001293557.2).
Identifiers: ClinVar variation 97862 (VCV000097862.1), dbSNP rs104895466, ClinGen allele CA150294.

ClinVar aggregate classification (germline): not provided (0 of 4 stars; one submission).

Conditions:
Blau syndrome (BLAUS). Also called: ARTHROCUTANEOUVEAL GRANULOMATOSIS; GRANULOMATOSIS, FAMILIAL JUVENILE SYSTEMIC; GRANULOMATOSIS, FAMILIAL, BLAU TYPE; GRANULOMATOUS INFLAMMATORY ARTHRITIS, DERMATITIS, AND UVEITIS, FAMILIAL; JABS SYNDROME. Identifiers: Orphanet 90340, MedGen C5201146, MONDO:0008523, OMIM 186580.

Allele frequency attached by ClinVar (database versions not stated): TOPMed below 0.00001; gnomAD 0.00001.

Submission:

Unité médicale des maladies autoinflammatoires, CHRU Montpellier
No classification provided. Condition: Sarcoidosis, early-onset. Review status: no classification provided. Collection method: not provided. Allele origin: unknown.
Comment: also involved in OMIM 186580 and 266600